The following is an entry in ClinVar:

NM_001005361.3(DNM2):c.953G>A (p.Arg318Gln)

Gene: DNM2 (dynamin 2; plus strand). Cytogenetic location: 19p13.2.
Variant type: single nucleotide variant.
Coding change: c.953G>A on transcript NM_001005361.3 (MANE Select); coding-DNA position 953, G replaced by A.
Protein change: p.Arg318Gln; replaces arginine 318 with glutamine.
Molecular consequence: missense variant.
Genome position (GRCh38, 1-based): chr19:10,786,667, G>A. VCF-style: chr19-10786667-G-A. GRCh37 (hg19) VCF-style: chr19-10897343-G-A.
Other names: c.953G>A, p.Arg318Gln (NM_001005360.3, NM_001005362.3, NM_001190716.2 and 1 more transcripts); short protein forms R318Q.
Identifiers: ClinVar variation 246588 (VCV000246588.2), dbSNP rs879254323, ClinGen allele CA10584602.
Genomic context (GRCh38, chr19:10,786,667, plus strand): 5'-GCAAACTACAGAGCCAGCTGCTGTCCCTGGAGAAGGAGGTGGAGGAGTACAAGAACTTTC[G>A]GCCCGACGACCCCACCCGCAAAACCAAAGCCCTGCTGCAGTATGTACCCCGGCACCCACC-3'
Protein context (NP_001005361.1, residues 308-328): EKEVEEYKNF[Arg318Gln]PDDPTRKTKA

ClinVar aggregate classification (germline): Uncertain significance. Review status: criteria provided, multiple submitters, no conflicts (2 of 4 stars). 2 submissions from 2 submitters: Uncertain significance (2). Last evaluated 2016-05-31.

Conditions:
Charcot-Marie-Tooth disease dominant intermediate B (CMTDIB). Also called: CHARCOT-MARIE-TOOTH NEUROPATHY, DOMINANT INTERMEDIATE B; Charcot-Marie-Tooth disease dominant intermediate 1; CMT DI1; Charcot-Marie-Tooth disease dominant intermediate I. Identifiers: Orphanet 100044, Orphanet 228179, MedGen C1847902, MONDO:0011674, OMIM 606482.

Allele frequency attached by ClinVar (database versions not stated): gnomAD exomes below 0.00001.
gnomAD v4.1: 2 of 1,614,044 alleles (0.00012%); highest among the groups gnomAD compares: East Asian, 0.0022%; no homozygotes.

Submissions (2):

GeneDx
Classification: Uncertain significance. Last evaluated: 2016-05-31. Review status: criteria provided, single submitter. Criteria: GeneDx Variant Classification (06012015). Collection method: clinical testing. Allele origin: germline. Affected: yes.
Comment: The R318Q variant has not been published as a pathogenic variant, nor has it been reported as a benign variant to our knowledge. The R318Q variant was not observed in approximately 6500 individuals of European and African American ancestry in the NHLBI Exome Sequencing Project, indicating it is not a common benign variant in these populations. The R318Q variant is a semi-conservative amino acid substitution, which may impact secondary protein structure as these residues differ in some properties. This substitution occurs at a position that is conserved across species. In silico analysis is inconsistent in its predictions as to whether or not the variant is damaging to the protein structure/function. Therefore, based on the currently available information, it is unclear whether this variant is a pathogenic variant or a rare benign variant.

Neuberg Centre For Genomic Medicine, NCGM
Classification: Uncertain significance for Charcot-Marie-Tooth disease dominant intermediate B. Review status: criteria provided, single submitter. Criteria: ACMG Guidelines, 2015. Collection method: clinical testing. Allele origin: germline. Inheritance: Autosomal dominant inheritance. Affected: yes.
Comment: The missense variant p.R318Q in DNM2 (NM_001005360.3) has not been reported previously as a pathogenic variant nor as a benign variant, to our knowledge. There is a small physicochemical difference between arginine and glutamine, which is not likely to impact secondary protein structure as these residues share similar properties. The p.R318Q missense variant is predicted to be damaging by both SIFT and PolyPhen2. The arginine residue at codon 318 of DNM2 is conserved in all mammalian species. The nucleotide c.953 in DNM2 is predicted conserved by GERP++ and PhyloP across 100 vertebrates. For these reasons, this variant has been classified as Uncertain Significance.